The following is an entry in ClinVar:

NM_000081.4(LYST):c.7871G>A (p.Arg2624Gln)

Gene: LYST (lysosomal trafficking regulator; minus strand). Cytogenetic location: 1q42.3.
Variant type: single nucleotide variant.
Coding change: c.7871G>A on transcript NM_000081.4 (MANE Select); coding-DNA position 7871, G replaced by A.
Protein change: p.Arg2624Gln; replaces arginine 2624 with glutamine.
Molecular consequence: missense variant.
Genome position (GRCh38, 1-based): chr1:235,746,437, C>T on the plus strand (G>A on the coding strand, the complement: LYST is on the minus strand). VCF-style: chr1-235746437-C-T. GRCh37 (hg19) VCF-style: chr1-235909737-C-T.
Other names: c.7871G>A, p.Arg2624Gln (NM_001301365.1); short protein forms R2624Q.
Identifiers: ClinVar variation 2193616 (VCV002193616.1), dbSNP rs770510261, ClinGen allele CA1466003.
Genomic context (GRCh38, chr1:235,746,437, plus strand): 5'-TGTAGTCTCTGCGCAAGTTCCGTTTCAGTTGCTTGGCTAGGGTTCTCTTGGCTCATTCTC[C>T]GTTGCATCATCACATGAAGCTCATCATTTGCCACTGAACGCATTTTCATCAGAAGCGATT-3'
Protein context (NP_000072.2, residues 2614-2634): ANDELHVMMQ[Arg2624Gln]RMSQENPSQA

ClinVar aggregate classification (germline): Uncertain significance (1 of 4 stars; one submission).

Conditions:
Chédiak-Higashi syndrome (CHS). Also called: Chediak-Higashi Syndrome. Identifiers: Orphanet 167, MedGen C0007965, MONDO:0008963, OMIM 214500.

Allele frequency attached by ClinVar (database versions not stated): ExAC 0.00001; TOPMed 0.00001; gnomAD exomes 0.00002.
gnomAD v4.1: 25 of 1,613,836 alleles (0.0015%); highest among the groups gnomAD compares: Non-Finnish European, 0.0019%; no homozygotes.

Submission:

Labcorp Genetics (formerly Invitae), Labcorp
Classification: Uncertain significance for Chédiak-Higashi syndrome. Last evaluated: 2022-02-19. Review status: criteria provided, single submitter. Criteria: Invitae Variant Classification Sherloc (09022015). Collection method: clinical testing. Allele origin: germline.
Comment: This sequence change replaces arginine, which is basic and polar, with glutamine, which is neutral and polar, at codon 2624 of the LYST protein (p.Arg2624Gln). This variant is present in population databases (rs770510261, gnomAD 0.01%). This variant has not been reported in the literature in individuals affected with LYST-related conditions. Algorithms developed to predict the effect of missense changes on protein structure and function are either unavailable or do not agree on the potential impact of this missense change (SIFT: "Tolerated"; PolyPhen-2: "Possibly Damaging"; Align-GVGD: "Class C0"). Algorithms developed to predict the effect of sequence changes on RNA splicing suggest that this variant may create or strengthen a splice site. In summary, the available evidence is currently insufficient to determine the role of this variant in disease. Therefore, it has been classified as a Variant of Uncertain Significance.